The following is an entry in ClinVar:

ClinVar aggregate classification (germline): Likely benign (0 of 4 stars; one submission).

Conditions:
CLASP2-related disorder. Also called: CLASP2-related condition.

Allele frequency attached by ClinVar (database versions not stated): ExAC 0.00007; ESP Exome Variant Server 0.00009; gnomAD 0.00015; TOPMed 0.00029; 1000 Genomes Project 30x 0.00031; 1000 Genomes Project 0.00040.
gnomAD v4.1: 109 of 1,611,976 alleles (0.0068%); highest among the groups gnomAD compares: Admixed American, 0.048%; no homozygotes.

Submission:

PreventionGenetics, part of Exact Sciences
Classification: Likely benign for CLASP2-related condition. Last evaluated: 2020-04-29. Review status: no assertion criteria provided. Collection method: clinical testing. Allele origin: germline.
Comment: This variant is classified as likely benign based on ACMG/AMP sequence variant interpretation guidelines (Richards et al. 2015 PMID: 25741868, with internal and published modifications).

NM_001365631.1(CLASP2):c.690C>T (p.Gly230=)

Gene: CLASP2 (cytoplasmic linker associated protein 2; minus strand). Cytogenetic location: 3p22.3.
Variant type: single nucleotide variant.
Coding change: c.690C>T on transcript NM_001365631.1 (MANE Select); coding-DNA position 690, C replaced by T.
Protein change: p.Gly230=; no amino-acid change (glycine 230 retained).
Molecular consequence: synonymous variant.
Genome position (GRCh38, 1-based): chr3:33,663,470, G>A on the plus strand (C>T on the coding strand, the complement: CLASP2 is on the minus strand). VCF-style: chr3-33663470-G-A. GRCh37 (hg19) VCF-style: chr3-33704962-G-A.
Other names: c.690C>T, p.Gly230= (NM_001365627.1, NM_001365628.1, NM_001365629.1 and 13 more transcripts); c.393C>T, p.Gly131= (NM_001375713.1).
Identifiers: ClinVar variation 3051071 (VCV003051071.2), dbSNP rs185871021, ClinGen allele CA2303171.